The following is an entry in ClinVar:

ClinVar aggregate classification (germline): Uncertain significance (1 of 4 stars; one submission).

Allele frequency attached by ClinVar (database versions not stated): 1000 Genomes Project 30x 0.00016; 1000 Genomes Project 0.00020.
gnomAD v4.1: 42 of 1,613,992 alleles (0.0026%); highest among the groups gnomAD compares: Middle Eastern, 0.017%; no homozygotes.

Submission:

Labcorp Genetics (formerly Invitae), Labcorp
Classification: Uncertain significance. Last evaluated: 2022-06-27. Review status: criteria provided, single submitter. Criteria: Invitae Variant Classification Sherloc (09022015). Collection method: clinical testing. Allele origin: germline.
Comment: In summary, the available evidence is currently insufficient to determine the role of this variant in disease. Therefore, it has been classified as a Variant of Uncertain Significance. Algorithms developed to predict the effect of missense changes on protein structure and function are either unavailable or do not agree on the potential impact of this missense change (SIFT: "Deleterious"; PolyPhen-2: "Benign"; Align-GVGD: "Class C0"). This variant has not been reported in the literature in individuals affected with CRAT-related conditions. This variant is present in population databases (rs199817861, gnomAD 0.004%). This sequence change replaces arginine, which is basic and polar, with cysteine, which is neutral and slightly polar, at codon 301 of the CRAT protein (p.Arg301Cys).

NM_000755.5(CRAT):c.901C>T (p.Arg301Cys)

Gene: CRAT (carnitine O-acetyltransferase; minus strand). Cytogenetic location: 9q34.11.
Variant type: single nucleotide variant.
Coding change: c.901C>T on transcript NM_000755.5 (MANE Select); coding-DNA position 901, C replaced by T.
Protein change: p.Arg301Cys; replaces arginine 301 with cysteine.
Molecular consequence: missense variant.
Genome position (GRCh38, 1-based): chr9:129,100,594, G>A on the plus strand (C>T on the coding strand, the complement: CRAT is on the minus strand). VCF-style: chr9-129100594-G-A. GRCh37 (hg19) VCF-style: chr9-131862873-G-A.
Other names: c.838C>T, p.Arg280Cys (NM_001257363.3, NM_001346548.2, NM_004003.4); c.904C>T, p.Arg302Cys (NM_001346546.2); c.901C>T, p.Arg301Cys (NM_001346547.2); c.781C>T, p.Arg261Cys (NM_001346549.2); short protein forms R280C, R261C, R301C, R302C.
Identifiers: ClinVar variation 1413713 (VCV001413713.6), dbSNP rs199817861, ClinGen allele CA5275577.